The following is an entry in ClinVar:

ClinVar aggregate classification (germline): Uncertain significance (1 of 4 stars; one submission).

Conditions:
Mucopolysaccharidosis, MPS-III-A (MPS3A). Also called: Mucopolysaccharidosis type IIIA (Sanfilippo A); HEPARAN SULFATE SULFATASE DEFICIENCY; SANFILIPPO SYNDROME A; SULFAMIDASE DEFICIENCY; MPS III A; MUCOPOLYSACCHARIDOSIS, TYPE IIIA, ATTENUATED. Identifiers: Orphanet 581, Orphanet 79269, MedGen C0086647, MONDO:0009655, OMIM 252900.

Allele frequency attached by ClinVar (database versions not stated): TOPMed below 0.00001; gnomAD exomes below 0.00001; gnomAD 0.00001.
gnomAD v4.1: 7 of 1,613,404 alleles (0.00043%); highest among the groups gnomAD compares: East Asian, 0.0022%; no homozygotes.

Submission:

Labcorp Genetics (formerly Invitae), Labcorp
Classification: Uncertain significance for Mucopolysaccharidosis, MPS-III-A. Last evaluated: 2022-08-01. Review status: criteria provided, single submitter. Criteria: Invitae Variant Classification Sherloc (09022015). Collection method: clinical testing. Allele origin: germline.
Comment: This sequence change replaces arginine, which is basic and polar, with cysteine, which is neutral and slightly polar, at codon 456 of the SGSH protein (p.Arg456Cys). The frequency data for this variant in the population databases is considered unreliable, as metrics indicate poor data quality at this position in the gnomAD database. This variant has not been reported in the literature in individuals affected with SGSH-related conditions. Algorithms developed to predict the effect of missense changes on protein structure and function (SIFT, PolyPhen-2, Align-GVGD) all suggest that this variant is likely to be tolerated. In summary, the available evidence is currently insufficient to determine the role of this variant in disease. Therefore, it has been classified as a Variant of Uncertain Significance.

NM_000199.5(SGSH):c.1366C>T (p.Arg456Cys)

Gene: SGSH (N-sulfoglucosamine sulfohydrolase; minus strand). Cytogenetic location: 17q25.3.
Variant type: single nucleotide variant.
Coding change: c.1366C>T on transcript NM_000199.5 (MANE Select); coding-DNA position 1366, C replaced by T.
Protein change: p.Arg456Cys; replaces arginine 456 with cysteine.
Molecular consequence: missense variant. On other transcripts: 3 prime UTR variant (2), non-coding transcript variant (1).
Genome position (GRCh38, 1-based): chr17:80,210,595, G>A on the plus strand (C>T on the coding strand, the complement: SGSH is on the minus strand). VCF-style: chr17-80210595-G-A. GRCh37 (hg19) VCF-style: chr17-78184394-G-A.
Other names: c.*453C>T (NM_001352921.3); c.*416C>T (NM_001352922.2); short protein forms R456C.
Identifiers: ClinVar variation 1895488 (VCV001895488.5), dbSNP rs1204714323, ClinGen allele CA401358593.